The following is an entry in ClinVar:

ClinVar aggregate classification (germline): Uncertain significance (1 of 4 stars; one submission).

Conditions:
Tuberous sclerosis 2 (TSC2). Identifiers: Orphanet 805, MedGen C1860707, MONDO:0013199, OMIM 613254.

Submission:

Labcorp Genetics (formerly Invitae), Labcorp
Classification: Uncertain significance for Tuberous sclerosis 2. Last evaluated: 2023-06-21. Review status: criteria provided, single submitter. Criteria: Invitae Variant Classification Sherloc (09022015). Collection method: clinical testing. Allele origin: germline.
Comment: This variant has not been reported in the literature in individuals affected with TSC2-related conditions. In summary, the available evidence is currently insufficient to determine the role of this variant in disease. Therefore, it has been classified as a Variant of Uncertain Significance. This variant is not present in population databases (gnomAD no frequency). This variant, c.3375_3386dup, results in the insertion of 4 amino acid(s) of the TSC2 protein (p.Asp1126_Arg1129dup), but otherwise preserves the integrity of the reading frame.

NM_000548.5(TSC2):c.3375_3386dup (p.Arg1129_Ser1130insAspArgValArg)

Gene: TSC2 (TSC complex subunit 2; plus strand). Cytogenetic location: 16p13.3.
Variant type: Duplication.
Coding change: c.3375_3386dup on transcript NM_000548.5 (MANE Select); coding-DNA positions 3375 to 3386, 12 bases duplicated (GGATCGGGTCCG).
Protein change: p.Arg1129_Ser1130insAspArgValArg.
Molecular consequence: inframe insertion. On other transcripts: non-coding transcript variant (5).
Genome position (GRCh38, 1-based): chr16:2,079,647-2,079,658, GGATCGGGTCCG duplicated; duplicating any 12 consecutive bases within chr16:2,079,644-2,079,658 gives the same sequence; the c. name uses the placement nearest the transcript's 3' end. VCF-style (leftmost placement, unchanged base first): chr16-2079643-C-CCCGGGATCGGGT. GRCh37 (hg19) VCF-style: chr16-2129644-C-CCCGGGATCGGGT.
Other names: c.2643_2654dup, p.Arg885_Ser886insAspArgValArg (NM_001318831.2, NM_001406687.1, NM_001406688.1); c.3276_3287dup, p.Arg1096_Ser1097insAspArgValArg (NM_001318832.2); c.3246_3257dup, p.Arg1086_Ser1087insAspArgValArg (NM_001363528.2, NM_001370405.1, NM_021055.3); c.3243_3254dup, p.Arg1085_Ser1086insAspArgValArg (NM_001370404.1, NM_001406665.1, NM_001077183.3); c.3372_3383dup, p.Arg1128_Ser1129insAspArgValArg (NM_001406663.1, NM_001406664.1); c.3336_3347dup, p.Arg1116_Ser1117insAspArgValArg (NM_001406667.1); c.3375_3386dup, p.Arg1129_Ser1130insAspArgValArg (NM_001114382.3); c.3135_3146dup, p.Arg1049_Ser1050insAspArgValArg (NM_001318827.2); and 18 more.
Identifiers: ClinVar variation 2720328 (VCV002720328.3), dbSNP rs2544070423, ClinGen allele CA2697549505.
Genomic context (GRCh38, chr16:2,079,643, plus strand): 5'-AGACCAAGGAGGCGCCGGCCAAGCTGGAGTCCCAGGCTGGGCAGCAGGTGTCCCGTGGGG[C>CCCGGGATCGGGT]CCGGGATCGGGTCCGTTCCATGTCGGGTGAGCCTTGGCCCCAGCCACCTCCACACAGGCA-3'